The following is an entry in ClinVar:

ClinVar aggregate classification (germline): Likely pathogenic. Review status: criteria provided, multiple submitters, no conflicts (2 of 4 stars). 2 submissions from 2 submitters: Likely pathogenic (2). Last evaluated 2025-02-20.

Conditions:
TALDO1-related disorder. Also called: TALDO1-related condition.

Allele frequency attached by ClinVar (database versions not stated): ExAC 0.00002; TOPMed 0.00002; gnomAD 0.00003; ESP Exome Variant Server 0.00008.
gnomAD v4.1: 15 of 1,614,048 alleles (0.00093%); highest among the groups gnomAD compares: Non-Finnish European, 0.0012%; no homozygotes.

Submissions (2):

Labcorp Genetics (formerly Invitae), Labcorp
Classification: Likely pathogenic. Last evaluated: 2025-02-20. Review status: criteria provided, single submitter. Criteria: Invitae Variant Classification Sherloc (09022015). Collection method: clinical testing. Allele origin: germline.
Comment: This sequence change affects an acceptor splice site in intron 6 of the TALDO1 gene. It is expected to disrupt RNA splicing. Variants that disrupt the donor or acceptor splice site typically lead to a loss of protein function (PMID: 16199547), and loss-of-function variants in TALDO1 are known to be pathogenic (PMID: 23315216, 26238251). This variant is present in population databases (rs376108629, gnomAD 0.003%). This variant has not been reported in the literature in individuals affected with TALDO1-related conditions. ClinVar contains an entry for this variant (Variation ID: 2414536). Algorithms developed to predict the effect of sequence changes on RNA splicing suggest that this variant may disrupt the consensus splice site. In summary, the currently available evidence indicates that the variant is pathogenic, but additional data are needed to prove that conclusively. Therefore, this variant has been classified as Likely Pathogenic.

Blueprint Genetics
Classification: Likely pathogenic for TALDO1-related disorders. Last evaluated: 2020-02-28. Review status: criteria provided, single submitter. Criteria: ACMG Guidelines, 2015. Collection method: clinical testing. Allele origin: germline. Affected: yes. Observed: 1 variant allele.

Literature cited by the submitters: PubMed 16199547 (cited by Labcorp Genetics (formerly Invitae), Labcorp); PubMed 23315216 (cited by Labcorp Genetics (formerly Invitae), Labcorp); PubMed 26238251 (cited by Labcorp Genetics (formerly Invitae), Labcorp).

NM_006755.2(TALDO1):c.836-1G>A

Gene: TALDO1 (transaldolase 1; plus strand). Cytogenetic location: 11p15.5.
Variant type: single nucleotide variant.
Coding change: c.836-1G>A on transcript NM_006755.2 (MANE Select); the canonical splice acceptor site of the intron before coding-DNA position 836, G replaced by A.
Molecular consequence: splice acceptor variant.
Genome position (GRCh38, 1-based): chr11:764,287, G>A. VCF-style: chr11-764287-G-A. GRCh37 (hg19) VCF-style: chr11-764287-G-A.
Identifiers: ClinVar variation 2414536 (VCV002414536.8), dbSNP rs376108629, ClinGen allele CA5788333.